The following is an entry in ClinVar:

NM_005245.4(FAT1):c.1146C>A (p.Pro382=)

Gene: FAT1 (FAT atypical cadherin 1; minus strand). Cytogenetic location: 4q35.2.
Variant type: single nucleotide variant.
Coding change: c.1146C>A on transcript NM_005245.4 (MANE Select); coding-DNA position 1146, C replaced by A.
Protein change: p.Pro382=; no amino-acid change (proline 382 retained).
Molecular consequence: synonymous variant.
Genome position (GRCh38, 1-based): chr4:186,708,682, G>T on the plus strand (C>A on the coding strand, the complement: FAT1 is on the minus strand). VCF-style: chr4-186708682-G-T. GRCh37 (hg19) VCF-style: chr4-187629836-G-T.
Identifiers: ClinVar variation 719388 (VCV000719388.38), dbSNP rs371822287, ClinGen allele CA3167521.

ClinVar aggregate classification (germline): Benign/Likely benign. Review status: criteria provided, multiple submitters, no conflicts (2 of 4 stars). 7 submissions from 7 submitters: Benign (2); Likely benign (2). 3 of the submissions do not count toward it. Last evaluated 2026-01-27.

Conditions:
FAT1-related disorder. Also called: FAT1-related condition.

Allele frequency attached by ClinVar (database versions not stated): gnomAD 0.00057 and 0.00084; ESP Exome Variant Server 0.00075; TOPMed 0.00077; ExAC 0.00181; 1000 Genomes Project 30x 0.00187; 1000 Genomes Project 0.00200.
gnomAD v4.1: 1,899 of 1,613,806 alleles (0.12%); highest among the groups gnomAD compares: South Asian, 0.78%; 14 homozygotes.

Submissions (7):

Labcorp Genetics (formerly Invitae), Labcorp
Classification: Benign. Last evaluated: 2026-01-27. Review status: criteria provided, single submitter. Criteria: Invitae Variant Classification Sherloc (09022015). Collection method: clinical testing. Allele origin: germline.

Blueprint Genetics
Classification: Likely benign. Last evaluated: 2024-11-19. Review status: criteria provided, single submitter. Criteria: ACMG Guidelines, 2015. Collection method: clinical testing. Allele origin: germline.

CeGaT Center for Human Genetics Tuebingen
Classification: Likely benign. Last evaluated: 2023-04-01. Review status: criteria provided, single submitter. Criteria: CeGaT Center For Human Genetics Tuebingen Variant Classification Criteria Version 2. Collection method: clinical testing. Allele origin: germline. Affected: yes. Observed: 3 variant alleles.
Comment: FAT1: BP4, BP7

Breakthrough Genomics
Classification: Benign. Review status: criteria provided, single submitter. Criteria: ACMG Guidelines, 2015. Collection method: not provided. Allele origin: germline. Inheritance: Unknown mechanism. Affected: yes.

PreventionGenetics, part of Exact Sciences
Classification: Benign for FAT1-related condition. Last evaluated: 2021-08-04. Review status: no assertion criteria provided. Collection method: clinical testing. Allele origin: germline. Not counted in ClinVar's aggregate classification.
Comment: This variant is classified as benign based on ACMG/AMP sequence variant interpretation guidelines (Richards et al. 2015 PMID: 25741868, with internal and published modifications).

Clinical Genetics DNA and cytogenetics Diagnostics Lab, Erasmus MC, Erasmus Medical Center
Classification: Likely benign. Review status: no assertion criteria provided. Collection method: clinical testing. Allele origin: germline. Affected: yes. Study: VKGL Data-share Consensus. Not counted in ClinVar's aggregate classification.

Genome Diagnostics Laboratory, University Medical Center Utrecht
Classification: Likely benign. Review status: no assertion criteria provided. Collection method: clinical testing. Allele origin: germline. Affected: yes. Study: VKGL Data-share Consensus. Not counted in ClinVar's aggregate classification.